The following is an entry in ClinVar:

ClinVar aggregate classification (germline): Uncertain significance. Review status: criteria provided, multiple submitters, no conflicts (2 of 4 stars). 2 submissions from 2 submitters: Uncertain significance (2). Last evaluated 2026-03-05.

Allele frequency attached by ClinVar (database versions not stated): gnomAD exomes 0.00001.
gnomAD v4.1: 8 of 1,535,462 alleles (0.00052%); highest among the groups gnomAD compares: African/African-American, 0.0014%; no homozygotes.

Submissions (2):

GeneDx
Classification: Uncertain significance. Last evaluated: 2026-03-05. Review status: criteria provided, single submitter. Criteria: GeneDx Variant Classification Process June 2021. Collection method: clinical testing. Allele origin: germline.
Comment: Not observed at significant frequency in large population cohorts (gnomAD); In silico analysis suggests that this missense variant does not alter protein structure/function; Has not been previously published as pathogenic or benign to our knowledge

Labcorp Genetics (formerly Invitae), Labcorp
Classification: Uncertain significance. Last evaluated: 2022-06-14. Review status: criteria provided, single submitter. Criteria: Invitae Variant Classification Sherloc (09022015). Collection method: clinical testing. Allele origin: germline.
Comment: This sequence change replaces methionine, which is neutral and non-polar, with valine, which is neutral and non-polar, at codon 223 of the ILDR1 protein (p.Met223Val). This variant is not present in population databases (gnomAD no frequency). This variant has not been reported in the literature in individuals affected with ILDR1-related conditions. Algorithms developed to predict the effect of missense changes on protein structure and function are either unavailable or do not agree on the potential impact of this missense change (SIFT: "Deleterious"; PolyPhen-2: "Benign"; Align-GVGD: "Class C0"). In summary, the available evidence is currently insufficient to determine the role of this variant in disease. Therefore, it has been classified as a Variant of Uncertain Significance.

NM_001199799.2(ILDR1):c.667A>G (p.Met223Val)

Gene: ILDR1 (immunoglobulin like domain containing receptor 1; minus strand). Cytogenetic location: 3q13.33.
Variant type: single nucleotide variant.
Coding change: c.667A>G on transcript NM_001199799.2 (MANE Select); coding-DNA position 667, A replaced by G.
Protein change: p.Met223Val; replaces methionine 223 with valine.
Molecular consequence: missense variant. On other transcripts: intron variant (1).
Genome position (GRCh38, 1-based): chr3:121,994,293, T>C on the plus strand (A>G on the coding strand, the complement: ILDR1 is on the minus strand). VCF-style: chr3-121994293-T-C. GRCh37 (hg19) VCF-style: chr3-121713140-T-C.
Other names: c.667A>G (NM_001199799.1); c.400A>G, p.Met134Val (NM_001199800.2); c.647-323A>G (NM_175924.4); short protein forms M134V, M223V.
Identifiers: ClinVar variation 2428378 (VCV002428378.7), dbSNP rs1179919392, ClinGen allele CA354144818.